The following is an entry in ClinVar:

ClinVar aggregate classification (germline): Conflicting classifications of pathogenicity. Review status: criteria provided, conflicting classifications (1 of 4 stars). 2 submissions from 2 submitters: Uncertain significance (1); Likely benign (1). Last evaluated 2024-11-25.

Conditions:
Hereditary cancer-predisposing syndrome. Also called: Neoplastic Syndromes, Hereditary; Tumor predisposition; Hereditary neoplastic syndrome; Hereditary Cancer Syndrome. Identifiers: Orphanet 140162, MedGen C0027672, MeSH D009386, MONDO:0015356.
Familial cancer of breast. Also called: BREAST CANCER, FAMILIAL; Hereditary breast cancer; hereditary breast carcinoma. Identifiers: Orphanet 227535, MedGen C0346153, MONDO:0016419, OMIM 114480. Disease mechanism: loss of function.

Submissions (2):

Ambry Genetics
Classification: Likely benign for Hereditary cancer-predisposing syndrome. Last evaluated: 2024-11-25. Review status: criteria provided, single submitter. Criteria: Ambry Variant Classification Scheme 2023. Collection method: clinical testing. Allele origin: germline.

Labcorp Genetics (formerly Invitae), Labcorp
Classification: Uncertain significance for Familial cancer of breast. Last evaluated: 2020-09-24. Review status: criteria provided, single submitter. Criteria: Invitae Variant Classification Sherloc (09022015). Collection method: clinical testing. Allele origin: germline.
Comment: In summary, the available evidence is currently insufficient to determine the role of this variant in disease. Therefore, it has been classified as a Variant of Uncertain Significance. Algorithms developed to predict the effect of sequence changes on RNA splicing suggest that this variant may create or strengthen a splice site, but this prediction has not been confirmed by published transcriptional studies. Algorithms developed to predict the effect of missense changes on protein structure and function output the following: SIFT: "Tolerated"; PolyPhen-2: "Benign"; Align-GVGD: "Class C0". The asparagine amino acid residue is found in multiple mammalian species, suggesting that this missense change does not adversely affect protein function. These predictions have not been confirmed by published functional studies and their clinical significance is uncertain. This variant has not been reported in the literature in individuals with PALB2-related conditions. This variant is not present in population databases (ExAC no frequency). This sequence change replaces serine with asparagine at codon 270 of the PALB2 protein (p.Ser270Asn). The serine residue is weakly conserved and there is a small physicochemical difference between serine and asparagine.

NM_024675.4(PALB2):c.809G>A (p.Ser270Asn)

Gene: PALB2 (partner and localizer of BRCA2; minus strand). Cytogenetic location: 16p12.2.
Variant type: single nucleotide variant.
Coding change: c.809G>A on transcript NM_024675.4 (MANE Select); coding-DNA position 809, G replaced by A.
Protein change: p.Ser270Asn; replaces serine 270 with asparagine.
Molecular consequence: missense variant.
Genome position (GRCh38, 1-based): chr16:23,635,737, C>T on the plus strand (G>A on the coding strand, the complement: PALB2 is on the minus strand). VCF-style: chr16-23635737-C-T. GRCh37 (hg19) VCF-style: chr16-23647058-C-T.
Other names: short protein forms S270N.
Identifiers: ClinVar variation 827449 (VCV000827449.16), dbSNP rs1597098223, ClinGen allele CA395135998.
Genomic context (GRCh38, chr16:23,635,737, plus strand): 5'-TCCAAACTTACAGGTGAAGTAAATCTAATGTTTTTTAGGTCGTGAGTAGTAAGTTCACTG[C>T]TACCTTTAGGAGGAATGTGTTCAAGGTGCTGACTACTACCGCTATCTGATAGAGTCTGTA-3'
Protein context (NP_078951.2, residues 260-280): QHLEHIPPKG[Ser270Asn]SELTTHDLKN